The following is an entry in ClinVar:

NM_000834.5(GRIN2B):c.1463A>T (p.Lys488Met)

Gene: GRIN2B (glutamate ionotropic receptor NMDA type subunit 2B; minus strand). Cytogenetic location: 12p13.1.
Variant type: single nucleotide variant.
Coding change: c.1463A>T on transcript NM_000834.5 (MANE Select); coding-DNA position 1463, A replaced by T.
Protein change: p.Lys488Met; replaces lysine 488 with methionine.
Molecular consequence: missense variant.
Genome position (GRCh38, 1-based): chr12:13,615,530, T>A on the plus strand (A>T on the coding strand, the complement: GRIN2B is on the minus strand). VCF-style: chr12-13615530-T-A. GRCh37 (hg19) VCF-style: chr12-13768464-T-A.
Other names: c.1463A>T, p.Lys488Met (NM_001413992.1); short protein forms K488M.
Identifiers: ClinVar variation 4083509 (VCV004083509.1).

ClinVar aggregate classification (germline): Pathogenic (1 of 4 stars; one submission).

Conditions:
Intellectual developmental disorder, autosomal dominant 6, with or without seizures. Also called: Intellectual disability, autosomal dominant 6; GRIN2B-related developmental delay, intellectual disability and autism spectrum disorder. Identifiers: Orphanet 589547, MedGen C3151411, MONDO:0013509, OMIM 613970.

Submission:

Molecular Genetics Laboratory, Motol Hospital
Classification: Pathogenic for Intellectual developmental disorder, autosomal dominant 6, with or without seizures. Last evaluated: 2025-08-14. Review status: criteria provided, single submitter. Criteria: ACMG Guidelines, 2015. Collection method: clinical testing. Allele origin: de novo. Affected: yes. Observed: 1 variant allele.
Comment: Not present in gnomAD (v4.1.0), dbSNP or ClinVar (PM2). Rare missense variants affecting the GRIN2B gene are aasociated with "autosomal dominant intellectual developmental disorder 6" (MRD6, MIM:613970; PMID:31807283;PMID:36704660;PMID:28377535).To conclude, the variant is classified as pathogenic (ACMG PM2, PS2, PM1, PP2).

Literature cited by the submitters: PubMed 31807283; PubMed 36704660; PubMed 28377535.